The following is an entry in ClinVar:

ClinVar aggregate classification (germline): Uncertain significance. Review status: criteria provided, multiple submitters, no conflicts (2 of 4 stars). 2 submissions from 2 submitters: Uncertain significance (2). Last evaluated 2024-10-30.

Allele frequency attached by ClinVar (database versions not stated): ExAC 0.00002; gnomAD exomes 0.00002; TOPMed 0.00002.
gnomAD v4.1: 26 of 1,604,016 alleles (0.0016%); highest among the groups gnomAD compares: East Asian, 0.0023%; no homozygotes.

Submissions (3):

Labcorp Genetics (formerly Invitae), Labcorp
Classification: Uncertain significance. Last evaluated: 2024-10-30. Review status: criteria provided, single submitter. Criteria: Invitae Variant Classification Sherloc (09022015). Collection method: clinical testing. Allele origin: germline.
Comment: This sequence change affects an acceptor splice site in intron 6 of the FUK gene. It is expected to disrupt RNA splicing. Variants that disrupt the donor or acceptor splice site typically lead to a loss of protein function (PMID: 16199547), however the current clinical and genetic evidence is not sufficient to establish whether loss-of-function variants in FUK cause disease. This variant is present in population databases (rs767576348, gnomAD 0.006%). This variant has not been reported in the literature in individuals affected with FUK-related conditions. ClinVar contains an entry for this variant (Variation ID: 2421070). Algorithms developed to predict the effect of sequence changes on RNA splicing suggest that this variant may disrupt the consensus splice site. In summary, the available evidence is currently insufficient to determine the role of this variant in disease. Therefore, it has been classified as a Variant of Uncertain Significance.

CeGaT Center for Human Genetics Tuebingen
Classification: Uncertain significance. Last evaluated: 2024-03-01. Review status: criteria provided, single submitter. Criteria: CeGaT Center For Human Genetics Tuebingen Variant Classification Criteria Version 2. Collection method: clinical testing. Allele origin: germline. Affected: yes. Observed: 1 variant allele.
Comment: FCSK: PM2, PM3:Supporting

Dr. Peter K. Rogan Lab, Western University
No classification provided (evidence only). Condition: Clear cell carcinoma of kidney. Review status: no classification provided. Collection method: in vitro. Allele origin: not applicable. Functional consequence: skipped exon, retained intron. Not counted in ClinVar's aggregate classification.

Literature cited by the submitters: PubMed 16199547 (cited by Labcorp Genetics (formerly Invitae), Labcorp).

NM_145059.3(FCSK):c.485-2A>G

Gene: FCSK (fucose kinase; plus strand). Cytogenetic location: 16q22.1.
Variant type: single nucleotide variant.
Coding change: c.485-2A>G on transcript NM_145059.3 (MANE Select); the canonical splice acceptor site of the intron before coding-DNA position 485, A replaced by G.
Molecular consequence: splice acceptor variant.
Genome position (GRCh38, 1-based): chr16:70,467,372, A>G. VCF-style: chr16-70467372-A-G. GRCh37 (hg19) VCF-style: chr16-70501275-A-G.
Identifiers: ClinVar variation 2421070 (VCV002421070.29), dbSNP rs767576348, ClinGen allele CA8142962.
Genomic context (GRCh38, chr16:70,467,372, plus strand): 5'-GTGGGGAAATCCGTGCCTTGGGTGGAGGCCCCTGGGAGCCTCCTGACTGCCCCACCCCAC[A>G]GGTATCAGCTGGGACAGCTTCCGGGGAGCCAGAGTGATCGCCCTCCCAGGGAGCCCGGCC-3'